The following is an entry in ClinVar:

ClinVar aggregate classification (germline): Uncertain significance (1 of 4 stars; one submission).

Submission:

CeGaT Center for Human Genetics Tuebingen
Classification: Uncertain significance. Last evaluated: 2023-08-01. Review status: criteria provided, single submitter. Criteria: CeGaT Center For Human Genetics Tuebingen Variant Classification Criteria Version 2. Collection method: clinical testing. Allele origin: germline. Affected: yes. Observed: 1 variant allele.
Comment: RTN2: PM2

NM_005619.5(RTN2):c.34+7A>G

Genes: OPA3-RTN2 (OPA3-RTN2 readthrough; minus strand), RTN2 (reticulon 2; minus strand). Cytogenetic location: 19q13.32.
Variant type: single nucleotide variant.
Coding change: c.34+7A>G on transcript NM_005619.5 (MANE Select); 7 bases into the intron after coding-DNA position 34, A replaced by G.
Molecular consequence: intron variant.
Genome position (GRCh38, 1-based): chr19:45,496,785, T>C on the plus strand (A>G on the coding strand, the complement: RTN2 is on the minus strand). VCF-style: chr19-45496785-T-C. GRCh37 (hg19) VCF-style: chr19-46000043-T-C.
Other names: c.34+7A>G (NM_206900.3).
Identifiers: ClinVar variation 2578831 (VCV002578831.25), dbSNP rs2513746774, ClinGen allele CA2580617889.